The following is an entry in ClinVar:

ClinVar aggregate classification (germline): Uncertain significance (1 of 4 stars; one submission).

Conditions:
Foveal hypoplasia 1. Also called: FOVEAL HYPOPLASIA 1 WITH OR WITHOUT ANTERIOR SEGMENT ANOMALIES AND/OR CATARACT; FOVEAL HYPOPLASIA 1 WITH ANTERIOR SEGMENT ANOMALIES. Identifiers: Orphanet 2253, MedGen C3805604, MONDO:0007628, OMIM 136520.
Coloboma of optic nerve. Also called: Coloboma of optic nerve (disease); Congenital coloboma of the optic nerve; OPTIC NERVE HEAD PITS, BILATERAL CONGENITAL. Identifiers: Orphanet 35737, Orphanet 98947, MedGen C0155299, MONDO:0007354, OMIM 120430, HP:0000588.
Autosomal dominant keratitis. Also called: Keratitis, hereditary. Identifiers: Orphanet 2334, MedGen C1835698, MONDO:0007848, OMIM 148190.
Isolated optic nerve hypoplasia. Also called: Bilateral optic nerve hypoplasia. Identifiers: Orphanet 637061, MedGen C1833797, MONDO:0008136, OMIM 165550.
Aniridia 1 (AN1). Identifiers: Orphanet 250923, MedGen C0344542, MONDO:0024507, OMIM 106210.
Coloboma, ocular, autosomal dominant (MCOPCB12). Also called: Microphthalmia/coloboma 12. Identifiers: MedGen C5886785, MONDO:0007350, OMIM 120200.
Irido-corneo-trabecular dysgenesis (ASGD5). Also called: ANTERIOR SEGMENT DYSGENESIS 5. Identifiers: Orphanet 708, MedGen C0344559, MONDO:0011414, OMIM 604229, HP:0000659.

Submission:

Juno Genomics, Hangzhou Juno Genomics, Inc
Classification: Uncertain significance for Coloboma of optic nerve; Coloboma, ocular, autosomal dominant; Aniridia 1; Irido-corneo-trabecular dysgenesis; Foveal hypoplasia 1; Autosomal dominant keratitis; Isolated optic nerve hypoplasia. Review status: criteria provided, single submitter. Criteria: ACMG Guidelines, 2015. Collection method: clinical testing. Allele origin: germline. Affected: yes.
Comment: Absent from controls (or at extremely low frequency if recessive) in Genome Aggregation Database, Exome Sequencing Project, 1000 Genomes Project, or Exome Aggregation Consortium.;Multiple lines of computational evidence support a deleterious effect on the gene or gene product (conservation, evolutionary, splicing impact, etc).;Missense variant in a gene that has a low rate of benign missense variation and where missense variants are a common mechanism of disease.

NM_001368894.2(PAX6):c.535G>T (p.Gly179Trp)

Gene: PAX6 (paired box 6; minus strand). Cytogenetic location: 11p13.
Variant type: single nucleotide variant.
Coding change: c.535G>T on transcript NM_001368894.2 (MANE Select); coding-DNA position 535, G replaced by T.
Protein change: p.Gly179Trp; replaces glycine 179 with tryptophan.
Molecular consequence: missense variant. On other transcripts: non-coding transcript variant (2).
Genome position (GRCh38, 1-based): chr11:31,800,721, C>A on the plus strand (G>T on the coding strand, the complement: PAX6 is on the minus strand). VCF-style: chr11-31800721-C-A. GRCh37 (hg19) VCF-style: chr11-31822269-C-A.
Other names: c.493G>T, p.Gly165Trp (NM_000280.6, NM_001127612.3, NM_001258464.2 and 10 more transcripts); c.535G>T, p.Gly179Trp (NM_001258462.3, NM_001258463.2, NM_001310158.2 and 6 more transcripts); c.85G>T, p.Gly29Trp (NM_001310160.2, NM_001310161.3, NM_001368899.2 and 11 more transcripts); c.736G>T, p.Gly246Trp (NM_001368910.2); c.538G>T, p.Gly180Trp (NM_001368911.2); c.610G>T, p.Gly204Trp (NM_001368918.2, NM_001368919.2); c.568G>T, p.Gly190Trp (NM_001368920.2); c.334G>T, p.Gly112Trp (NM_001368921.2, NM_001368922.2, NM_001368923.2 and 4 more transcripts); and 1 more; short protein forms G112W, G165W, G179W, G180W, G190W, G204W, G246W, G29W.
Identifiers: ClinVar variation 3382303 (VCV003382303.2).